The following is an entry in ClinVar:

ClinVar aggregate classification (germline): Likely benign. Review status: criteria provided, multiple submitters, no conflicts (2 of 4 stars). 3 submissions from 3 submitters: Likely benign (3). Last evaluated 2023-01-02.

Conditions:
Amyotrophic lateral sclerosis type 4 (ALS4). Also called: AMYOTROPHIC LATERAL SCLEROSIS 4, JUVENILE; NEURONOPATHY, DISTAL HEREDITARY MOTOR, WITH PYRAMIDAL FEATURES. Identifiers: Orphanet 357043, MedGen C1865409, MONDO:0011223, OMIM 602433.
Spinocerebellar ataxia, autosomal recessive, with axonal neuropathy 2 (SCAN2). Also called: Ataxia-ocular apraxia-2; Ataxia with Oculomotor Apraxia; ATAXIA-OCULOMOTOR APRAXIA 2; Ataxia with Oculomotor Apraxia Type 2. Identifiers: Orphanet 64753, MedGen C1853761, MONDO:0018996, OMIM 606002.

Allele frequency attached by ClinVar (database versions not stated): gnomAD exomes below 0.00001; TOPMed below 0.00001; gnomAD 0.00001.
gnomAD v4.1: 2 of 1,613,348 alleles (0.00012%); highest among the groups gnomAD compares: Non-Finnish European, 0.00017%; no homozygotes.

Submissions (3):

Blueprint Genetics
Classification: Likely benign. Last evaluated: 2023-01-02. Review status: criteria provided, single submitter. Criteria: ACMG Guidelines, 2015. Collection method: clinical testing. Allele origin: germline.

Labcorp Genetics (formerly Invitae), Labcorp
Classification: Likely benign for Amyotrophic lateral sclerosis type 4; Spinocerebellar ataxia, autosomal recessive, with axonal neuropathy 2. Last evaluated: 2022-05-23. Review status: criteria provided, single submitter. Criteria: Invitae Variant Classification Sherloc (09022015). Collection method: clinical testing. Allele origin: germline.

CeGaT Center for Human Genetics Tuebingen
Classification: Likely benign. Last evaluated: 2022-04-01. Review status: criteria provided, single submitter. Criteria: CeGaT Center For Human Genetics Tuebingen Variant Classification Criteria Version 2. Collection method: clinical testing. Allele origin: germline. Affected: yes. Observed: 1 variant allele.
Comment: SETX: BP4, BP7

NM_015046.7(SETX):c.5400T>C (p.Ala1800=)

Gene: SETX (senataxin; minus strand). Cytogenetic location: 9q34.13.
Variant type: single nucleotide variant.
Coding change: c.5400T>C on transcript NM_015046.7 (MANE Select); coding-DNA position 5400, T replaced by C.
Protein change: p.Ala1800=; no amino-acid change (alanine 1800 retained).
Molecular consequence: synonymous variant.
Genome position (GRCh38, 1-based): chr9:132,300,778, A>G on the plus strand (T>C on the coding strand, the complement: SETX is on the minus strand). VCF-style: chr9-132300778-A-G. GRCh37 (hg19) VCF-style: chr9-135176165-A-G.
Other names: c.5400T>C, p.Ala1800= (NM_001351527.2, NM_001351528.2).
Identifiers: ClinVar variation 2057657 (VCV002057657.29), dbSNP rs1174201273, ClinGen allele CA467428930.